The following is an entry in ClinVar:

NM_007254.4(PNKP):c.428C>A (p.Ser143Ter)

Gene: PNKP (polynucleotide kinase 3'-phosphatase; minus strand). Cytogenetic location: 19q13.33.
Variant type: single nucleotide variant.
Coding change: c.428C>A on transcript NM_007254.4 (MANE Select); coding-DNA position 428, C replaced by A.
Protein change: p.Ser143Ter; replaces serine 143 with a stop codon.
Molecular consequence: nonsense.
Genome position (GRCh38, 1-based): chr19:49,865,197, G>T on the plus strand (C>A on the coding strand, the complement: PNKP is on the minus strand). VCF-style: chr19-49865197-G-T. GRCh37 (hg19) VCF-style: chr19-50368454-G-T.
Other names: short protein forms S143*.
Identifiers: ClinVar variation 4682472 (VCV004682472.1).

ClinVar aggregate classification (germline): Likely pathogenic (1 of 4 stars; one submission).

Submission:

Athena Diagnostics
Classification: Likely pathogenic. Last evaluated: 2025-07-03. Review status: criteria provided, single submitter. Criteria: Athena Diagnostics Criteria. Collection method: clinical testing. Allele origin: unknown.
Comment: This variant is expected to result in the loss of a functional protein. This variant has not been reported in large, multi-ethnic general populations.